The following is an entry in ClinVar:

ClinVar aggregate classification (germline): Uncertain significance. Review status: criteria provided, multiple submitters, no conflicts (2 of 4 stars). 3 submissions from 3 submitters: Uncertain significance (3). Last evaluated 2022-10-06.

Conditions:
Infantile nephronophthisis (NPHP2). Also called: Nephronophthisis 2; Nephronophthisis 2, infantile. Identifiers: Orphanet 655, Orphanet 93591, MedGen C1865872, MONDO:0011190, OMIM 602088.
Nephronophthisis. Also called: Juvenile Nephronophthisis. Identifiers: Orphanet 655, MedGen C0687120, MONDO:0019005, HP:0000090.
Inborn genetic diseases. Identifiers: MedGen C0950123, MeSH D030342.

Allele frequency attached by ClinVar (database versions not stated): ExAC 0.00001; gnomAD 0.00001; TOPMed 0.00001; gnomAD exomes 0.00002 and 0.00004.
gnomAD v4.1: 53 of 1,614,004 alleles (0.0033%); highest among the groups gnomAD compares: Non-Finnish European, 0.0045%; no homozygotes.

Submissions (3):

Ambry Genetics
Classification: Uncertain significance for Inborn genetic diseases. Last evaluated: 2022-10-06. Review status: criteria provided, single submitter. Criteria: Ambry Variant Classification Scheme 2023. Collection method: clinical testing. Allele origin: germline.

Labcorp Genetics (formerly Invitae), Labcorp
Classification: Uncertain significance for Nephronophthisis. Last evaluated: 2022-02-09. Review status: criteria provided, single submitter. Criteria: Invitae Variant Classification Sherloc (09022015). Collection method: clinical testing. Allele origin: germline.
Comment: This sequence change replaces arginine, which is basic and polar, with lysine, which is basic and polar, at codon 659 of the INVS protein (p.Arg659Lys). This variant is present in population databases (rs201738845, gnomAD 0.005%). This variant has not been reported in the literature in individuals affected with INVS-related conditions. ClinVar contains an entry for this variant (Variation ID: 837729). Algorithms developed to predict the effect of missense changes on protein structure and function output the following: SIFT: "Tolerated"; PolyPhen-2: "Benign"; Align-GVGD: "Class C0". The lysine amino acid residue is found in multiple mammalian species, which suggests that this missense change does not adversely affect protein function. In summary, the available evidence is currently insufficient to determine the role of this variant in disease. Therefore, it has been classified as a Variant of Uncertain Significance.

Fulgent Genetics
Classification: Uncertain significance for Infantile nephronophthisis. Last evaluated: 2021-10-26. Review status: criteria provided, single submitter. Criteria: ACMG Guidelines, 2015. Collection method: clinical testing. Allele origin: unknown.

NM_014425.5(INVS):c.1976G>A (p.Arg659Lys)

Gene: INVS (inversin; plus strand). Cytogenetic location: 9q31.1.
Variant type: single nucleotide variant.
Coding change: c.1976G>A on transcript NM_014425.5 (MANE Select); coding-DNA position 1976, G replaced by A.
Protein change: p.Arg659Lys; replaces arginine 659 with lysine.
Molecular consequence: missense variant. On other transcripts: non-coding transcript variant (1).
Genome position (GRCh38, 1-based): chr9:100,284,511, G>A. VCF-style: chr9-100284511-G-A. GRCh37 (hg19) VCF-style: chr9-103046793-G-A.
Other names: c.1688G>A, p.Arg563Lys (NM_001318381.2); c.998G>A, p.Arg333Lys (NM_001318382.2); c.1976G>A (NM_014425.2); short protein forms R333K, R563K, R659K.
Identifiers: ClinVar variation 837729 (VCV000837729.8), dbSNP rs201738845, ClinGen allele CA5158520.